The following is an entry in ClinVar:

ClinVar aggregate classification (germline): Uncertain significance (1 of 4 stars; one submission).

Submission:

GeneDx
Classification: Uncertain significance. Last evaluated: 2022-05-23. Review status: criteria provided, single submitter. Criteria: GeneDx Variant Classification Process June 2021. Collection method: clinical testing. Allele origin: germline. Affected: yes.
Comment: Not observed at significant frequency in large population cohorts (gnomAD); In silico analysis supports that this missense variant does not alter protein structure/function; Has not been previously published as pathogenic or benign to our knowledge

NM_001348716.2(KDM6B):c.3956A>G (p.Asp1319Gly)

Genes: KDM6B (lysine demethylase 6B; plus strand), LOC121587574 (Sharpr-MPRA regulatory region 3930; plus strand). Cytogenetic location: 17p13.1.
Variant type: single nucleotide variant.
Coding change: c.3956A>G on transcript NM_001348716.2 (MANE Select); coding-DNA position 3956, A replaced by G.
Protein change: p.Asp1319Gly; replaces aspartic acid 1319 with glycine.
Molecular consequence: missense variant.
Genome position (GRCh38, 1-based): chr17:7,851,489, A>G. VCF-style: chr17-7851489-A-G. GRCh37 (hg19) VCF-style: chr17-7754807-A-G.
Other names: c.3956A>G, p.Asp1319Gly (NM_001080424.2); short protein forms D1319G.
Identifiers: ClinVar variation 1801129 (VCV001801129.1), dbSNP rs2544532822, ClinGen allele CA397926453.